The following is an entry in ClinVar:

NM_000051.4(ATM):c.4776+17C>G

Gene: ATM (ATM serine/threonine kinase; plus strand). Cytogenetic location: 11q22.3.
Variant type: single nucleotide variant.
Coding change: c.4776+17C>G on transcript NM_000051.4 (MANE Select); 17 bases into the intron after coding-DNA position 4776, C replaced by G.
Molecular consequence: intron variant.
Genome position (GRCh38, 1-based): chr11:108,293,494, C>G. VCF-style: chr11-108293494-C-G. GRCh37 (hg19) VCF-style: chr11-108164221-C-G.
Other names: c.4776+17C>G (NM_001351834.2).
Identifiers: ClinVar variation 392032 (VCV000392032.1), dbSNP rs767641642, ClinGen allele CA16605790.
Genomic context (GRCh38, chr11:108,293,494, plus strand): 5'-AGCAAAAAATCAAATACAGTAGAGGACCCTTTTCACTCTTGGAGGTAATAAAAATTTCAT[C>G]ATCTACTATTTTTTATTAGAGAACATAGTAGTACTTTTCAAAAATCTGTAATGCTCTAGC-3'

ClinVar aggregate classification (germline): Likely benign (1 of 4 stars; one submission).

gnomAD v4.1: 2 of 1,589,296 alleles (0.00013%); highest among the groups gnomAD compares: Non-Finnish European, 0.000086%; no homozygotes.

Submission:

GeneDx
Classification: Likely benign. Last evaluated: 2016-12-19. Review status: criteria provided, single submitter. Criteria: GeneDx Variant Classification (06012015). Collection method: clinical testing. Allele origin: germline. Affected: yes.
Comment: This variant is considered likely benign or benign based on one or more of the following criteria: it is a conservative change, it occurs at a poorly conserved position in the protein, it is predicted to be benign by multiple in silico algorithms, and/or has population frequency not consistent with disease.